The following is an entry in ClinVar:

NM_001868.4(CPA1):c.261_262dup (p.Thr88fs)

Gene: CPA1 (carboxypeptidase A1; plus strand). Cytogenetic location: 7q32.2.
Variant type: Microsatellite.
Coding change: c.261_262dup on transcript NM_001868.4 (MANE Select); coding-DNA positions 261 to 262, 2 bases duplicated (GA; older notation c.261_262dupGA).
Protein change: p.Thr88fs; shifts the reading frame from threonine 88.
Molecular consequence: frameshift variant.
Genome position (GRCh38, 1-based): chr7:130,381,743-130,381,744, GA duplicated; duplicating any 2 consecutive bases within chr7:130,381,741-130,381,744 gives the same sequence; the c. name uses the placement nearest the transcript's 3' end. VCF-style (leftmost placement, unchanged base first): chr7-130381740-T-TGA. GRCh37 (hg19) VCF-style: chr7-130021581-T-TGA.
Other names: short protein forms T88fs.
Identifiers: ClinVar variation 2992548 (VCV002992548.3), dbSNP rs2536005241, ClinGen allele CA2740094848.

ClinVar aggregate classification (germline): Uncertain significance (1 of 4 stars; one submission).

Submission:

Labcorp Genetics (formerly Invitae), Labcorp
Classification: Uncertain significance. Last evaluated: 2023-05-30. Review status: criteria provided, single submitter. Criteria: Invitae Variant Classification Sherloc (09022015). Collection method: clinical testing. Allele origin: germline.
Comment: This variant has not been reported in the literature in individuals affected with CPA1-related conditions. This variant is not present in population databases (gnomAD no frequency). This sequence change creates a premature translational stop signal (p.Thr88Argfs*3) in the CPA1 gene. It is expected to result in an absent or disrupted protein product. However, the current clinical and genetic evidence is not sufficient to establish whether loss-of-function variants in CPA1 cause disease. In summary, the available evidence is currently insufficient to determine the role of this variant in disease. Therefore, it has been classified as a Variant of Uncertain Significance.